The following is an entry in ClinVar:

ClinVar aggregate classification (germline): Uncertain significance (1 of 4 stars; one submission).

Conditions:
Inborn genetic diseases. Identifiers: MedGen C0950123, MeSH D030342.

Allele frequency attached by ClinVar (database versions not stated): gnomAD exomes below 0.00001.
gnomAD v4.1: 2 of 1,612,976 alleles (0.00012%); highest among the groups gnomAD compares: Non-Finnish European, 0.00017%; no homozygotes.

Submission:

Ambry Genetics
Classification: Uncertain significance for Inborn genetic diseases. Last evaluated: 2024-04-01. Review status: criteria provided, single submitter. Criteria: Ambry Variant Classification Scheme 2023. Collection method: clinical testing. Allele origin: germline.
Comment: The p.I1691V variant (also known as c.5071A>G), located in coding exon 35 of the LRRK2 gene, results from an A to G substitution at nucleotide position 5071. The isoleucine at codon 1691 is replaced by valine, an amino acid with highly similar properties. This amino acid position is conserved. In addition, the in silico prediction for this alteration is inconclusive. Since supporting evidence is limited at this time, the clinical significance of this alteration remains unclear.

NM_198578.4(LRRK2):c.5071A>G (p.Ile1691Val)

Gene: LRRK2 (leucine rich repeat kinase 2; plus strand). Cytogenetic location: 12q12.
Variant type: single nucleotide variant.
Coding change: c.5071A>G on transcript NM_198578.4 (MANE Select); coding-DNA position 5071, A replaced by G.
Protein change: p.Ile1691Val; replaces isoleucine 1691 with valine.
Molecular consequence: missense variant.
Genome position (GRCh38, 1-based): chr12:40,321,089, A>G. VCF-style: chr12-40321089-A-G. GRCh37 (hg19) VCF-style: chr12-40714891-A-G.
Other names: short protein forms I1691V.
Identifiers: ClinVar variation 1745159 (VCV001745159.3), dbSNP rs2499878486, ClinGen allele CA384419927.